The following is an entry in ClinVar:

ClinVar aggregate classification (germline): Likely benign (1 of 4 stars; one submission).

Submission:

CeGaT Center for Human Genetics Tuebingen
Classification: Likely benign. Last evaluated: 2026-02-01. Review status: criteria provided, single submitter. Criteria: CeGaT Center For Human Genetics Tuebingen Variant Classification Criteria Version 2. Collection method: clinical testing. Allele origin: germline. Affected: yes. Observed: 2 variant alleles.
Comment: CIT: PM4:Supporting, BS2

NM_001206999.2(CIT):c.*1341AGC[1]

Gene: CIT (citron rho-interacting serine/threonine kinase; minus strand). Cytogenetic location: 12q24.23.
Variant type: Microsatellite.
Coding change: c.*1341AGC[1] on transcript NM_001206999.2 (MANE Select); one copy of the 3-base unit AGC starting at c.*1341; the reference has two copies in a row; one copy, 3 bases deleted.
Molecular consequence: 3 prime UTR variant.
Genome position (GRCh38, 1-based): chr12:119,686,886-119,686,888, GCT deleted on the plus strand (AGC on the coding strand, the reverse complement: CIT is on the minus strand); deleting any 3 consecutive bases within chr12:119,686,886-119,686,891 gives the same sequence; the position shown is the placement nearest the transcript's 3' end. VCF-style (leftmost placement, unchanged base first): chr12-119686885-GGCT-G. GRCh37 (hg19) VCF-style: chr12-120124690-GGCT-G.
Other names: c.*1341AGC[1] (NM_007174.3).
Identifiers: ClinVar variation 2643382 (VCV002643382.24), dbSNP rs565080437, ClinGen allele CA244376831.